The following is an entry in ClinVar:

NM_014874.4(MFN2):c.187A>C (p.Asn63His)

Gene: MFN2 (mitofusin 2; plus strand). Cytogenetic location: 1p36.22.
Variant type: single nucleotide variant.
Coding change: c.187A>C on transcript NM_014874.4 (MANE Select); coding-DNA position 187, A replaced by C.
Protein change: p.Asn63His; replaces asparagine 63 with histidine.
Molecular consequence: missense variant.
Genome position (GRCh38, 1-based): chr1:11,992,566, A>C. VCF-style: chr1-11992566-A-C. GRCh37 (hg19) VCF-style: chr1-12052623-A-C.
Other names: c.187A>C, p.Asn63His (NM_001127660.2); short protein forms N63H.
Identifiers: ClinVar variation 408320 (VCV000408320.17), dbSNP rs761216583, ClinGen allele CA598773.
Genomic context (GRCh38, chr1:11,992,566, plus strand): 5'-TGGAACTCCTCTGACCACGTGGTGACCCATTTTCAATCCCCACCTCCAGACACGTACAGG[A>C]ATGCAGAACTGGACCCCGTTACCACAGAAGAACAGGTTCTGGACGTCAAAGGTTACCTAT-3'
Protein context (NP_055689.1, residues 53-73): SATFLEDTYR[Asn63His]AELDPVTTEE

ClinVar aggregate classification (germline): Uncertain significance. Review status: criteria provided, multiple submitters, no conflicts (2 of 4 stars). 6 submissions from 6 submitters: Uncertain significance (6). Last evaluated 2025-09-04.

Conditions:
Charcot-Marie-Tooth disease type 2A2. Also called: HEREDITARY MOTOR AND SENSORY NEUROPATHY IIA2; HMSN IIA2; Charcot-Marie-Tooth Neuropathy Type 2A2; CHARCOT-MARIE-TOOTH DISEASE, AXONAL, AUTOSOMAL DOMINANT, TYPE 2A2A; CHARCOT-MARIE-TOOTH DISEASE, AXONAL, TYPE 2A2; CHARCOT-MARIE-TOOTH DISEASE, NEURONAL, TYPE 2A2. Identifiers: Orphanet 99947, MedGen C4721887, MONDO:0012231, OMIM 609260.
Charcot-Marie-Tooth disease type 2. Also called: Charcot-Marie-Tooth type 2. Identifiers: Orphanet 64746, MedGen C0270914, MONDO:0018993.

Allele frequency attached by ClinVar (database versions not stated): ExAC 0.00002; gnomAD exomes 0.00004 and 0.00001; gnomAD 0.00002; TOPMed 0.00007.
gnomAD v4.1: 21 of 1,614,064 alleles (0.0013%); highest among the groups gnomAD compares: Admixed American, 0.02%; no homozygotes.

Submissions (6):

Labcorp Genetics (formerly Invitae), Labcorp
Classification: Uncertain significance for Charcot-Marie-Tooth disease type 2. Last evaluated: 2025-09-04. Review status: criteria provided, single submitter. Criteria: Invitae Variant Classification Sherloc (09022015). Collection method: clinical testing. Allele origin: germline.
Comment: This sequence change replaces asparagine, which is neutral and polar, with histidine, which is basic and polar, at codon 63 of the MFN2 protein (p.Asn63His). This variant is present in population databases (rs761216583, gnomAD 0.02%). This missense change has been observed in individual(s) with clinical features of Charcot-Marie-Tooth disease (PMID: 35531120). ClinVar contains an entry for this variant (Variation ID: 408320). Invitae Evidence Modeling of protein sequence and biophysical properties (such as structural, functional, and spatial information, amino acid conservation, physicochemical variation, residue mobility, and thermodynamic stability) has been performed for this missense variant. However, the output from this modeling did not meet the statistical confidence thresholds required to predict the impact of this variant on MFN2 protein function. In summary, the available evidence is currently insufficient to determine the role of this variant in disease. Therefore, it has been classified as a Variant of Uncertain Significance.

Genetics Department, Catlab
Classification: Uncertain significance for Charcot-Marie-Tooth disease type 2A2. Last evaluated: 2025-08-08. Review status: criteria provided, single submitter. Criteria: ACMG Guidelines, 2015. Collection method: clinical testing. Allele origin: germline. Affected: yes. Observed: 1 variant allele.
Comment: The c.187A>C variant alters the protein sequence at position 63, changing a asparagine for histidine. The variant is very rare in gnomAD v4.1 ((AF=1.3011e-05) (PM2_moderate), and the missense z-score associated with MFN2 is 3.23 (PP2_supporting). The variant has been previously reported in one patient (PMID:35531120). With all the available evidence, the variant is classified as of uncertain significance.

ARUP Laboratories, Molecular Genetics and Genomics, ARUP Laboratories
Classification: Uncertain significance. Last evaluated: 2024-09-18. Review status: criteria provided, single submitter. Criteria: ARUP Molecular Germline Variant Investigation Process 2024. Collection method: clinical testing. Allele origin: germline.
Comment: The MFN2 c.187A>C; p.Asn63His variant (rs761216583) is reported in the literature in association with susceptibility to paclitaxel-induced neuropathy (Apellaniz-Ruiz 2017). This variant is also reported in ClinVar (Variation ID: 408320). It is observed in the general population with an overall allele frequency of 0.004% (11/251494 alleles) in the Genome Aggregation Database (v2.1.1). Computational analyses are uncertain whether this variant is neutral or deleterious (REVEL: 0.587). Due to limited information, the clinical significance of this variant is uncertain at this time. References: Apellaniz-Ruiz M et al. Targeted Sequencing Reveals Low-Frequency Variants in EPHA Genes as Markers of Paclitaxel-Induced Peripheral Neuropathy. Clin Cancer Res. 2017 Mar 1;23(5):1227-1235. PMID: 27582484.

Mayo Clinic Laboratories, Mayo Clinic
Classification: Uncertain significance. Last evaluated: 2023-08-18. Review status: criteria provided, single submitter. Criteria: ACMG Guidelines, 2015. Collection method: clinical testing. Allele origin: germline. Observed: 1 variant allele.

GeneDx
Classification: Uncertain significance. Last evaluated: 2021-06-02. Review status: criteria provided, single submitter. Criteria: GeneDx Variant Classification Process June 2021. Collection method: clinical testing. Allele origin: germline. Affected: yes.
Comment: In silico analysis supports that this missense variant has a deleterious effect on protein structure/function; Has not been previously published as pathogenic or benign to our knowledge; This variant is associated with the following publications: (PMID: 27582484, 27535533)

Athena Diagnostics
Classification: Uncertain significance. Last evaluated: 2017-02-24. Review status: criteria provided, single submitter. Criteria: Athena Diagnostics Criteria. Collection method: clinical testing. Allele origin: germline.

Literature cited by the submitters: PubMed 35531120 (cited by 3 submitters); PubMed 27582484 (cited by Athena Diagnostics).